The following is an entry in ClinVar:

ClinVar aggregate classification (germline): Benign. Review status: criteria provided, multiple submitters, no conflicts (2 of 4 stars). 2 submissions from 2 submitters: Benign (2). Last evaluated 2018-06-19.

Allele frequency attached by ClinVar (database versions not stated): gnomAD exomes 0.02633; gnomAD 0.08896 and 0.08957; TOPMed 0.09449; 1000 Genomes Project 30x 0.13210; 1000 Genomes Project 0.13438.
gnomAD v4.1: 17,375 of 328,706 alleles (5.3%); highest among the groups gnomAD compares: African/African-American, 20%; 1,388 homozygotes.

Submissions (2):

GeneDx
Classification: Benign. Last evaluated: 2018-06-19. Review status: criteria provided, single submitter. Criteria: GeneDx Variant Classification (06012015). Collection method: clinical testing. Allele origin: germline. Affected: yes.
Comment: This variant is considered likely benign or benign based on one or more of the following criteria: it is a conservative change, it occurs at a poorly conserved position in the protein, it is predicted to be benign by multiple in silico algorithms, and/or has population frequency not consistent with disease.

Breakthrough Genomics
Classification: Benign. Review status: criteria provided, single submitter. Criteria: ACMG Guidelines, 2015. Collection method: not provided. Allele origin: germline. Inheritance: Autosomal recessive inheritance. Affected: yes.

NM_001852.4(COL9A2):c.1108-261G>A

Gene: COL9A2 (collagen type IX alpha 2 chain; minus strand). Cytogenetic location: 1p34.2.
Variant type: single nucleotide variant.
Coding change: c.1108-261G>A on transcript NM_001852.4 (MANE Select); 261 bases into the intron before coding-DNA position 1108, G replaced by A.
Molecular consequence: intron variant.
Genome position (GRCh38, 1-based): chr1:40,305,108, C>T on the plus strand (G>A on the coding strand, the complement: COL9A2 is on the minus strand). VCF-style: chr1-40305108-C-T. GRCh37 (hg19) VCF-style: chr1-40770780-C-T.
Identifiers: ClinVar variation 683428 (VCV000683428.2), dbSNP rs113784463, ClinGen allele CA21041419.
Genomic context (GRCh38, chr1:40,305,108, plus strand): 5'-CATTTCTTTCTTTCTTTTTTTTTTTTTTTTTTTTTTTTGAGAGGGAGTCTTGCTCTGTCA[C>T]CCAGGCTGGAATGCAGTGGCGCGATCTCCGCTCACTGCAAGCTCCGCCTCCCGGGTTCAT-3'